The following is an entry in ClinVar:

ClinVar aggregate classification (germline): Pathogenic (1 of 4 stars; one submission).

Conditions:
Propionic acidemia (PROP). Also called: GLYCINEMIA, KETOTIC; HYPERGLYCINEMIA WITH KETOACIDOSIS AND LEUKOPENIA; KETOTIC HYPERGLYCINEMIA. Identifiers: Orphanet 35, MedGen C0268579, MONDO:0011628, OMIM 606054, HP:0003571.

Submission:

Labcorp Genetics (formerly Invitae), Labcorp
Classification: Pathogenic for Propionic acidemia. Last evaluated: 2020-02-29. Review status: criteria provided, single submitter. Criteria: Invitae Variant Classification Sherloc (09022015). Collection method: clinical testing. Allele origin: germline.
Comment: This variant is an in-frame deletion of the genomic region encompassing exon(s) 13-20 of the PCCA gene. It preserves the integrity of the reading frame. This variant has been observed in individual(s) with propionic acidemia (PMID: 19157943, Invitae). This variant disrupts the p.Pro423 amino acid residue in PCCA. Other variant(s) that disrupt this residue have been determined to be pathogenic (PMID: 10518292, 20549364, 22033733). This suggests that this residue is clinically significant, and that variants that disrupt this residue are likely to be disease-causing. For these reasons, this variant has been classified as Pathogenic.

Literature cited by the submitters: PubMed 19157943; PubMed 10518292; PubMed 20549364; PubMed 22033733.

NC_000013.10:g.(?_100953694)_(101078005_?)del

Gene: PCCA (propionyl-CoA carboxylase subunit alpha; plus strand). Cytogenetic location: 13q32.3.
Variant type: Deletion.
Identifiers: ClinVar variation 1076458 (VCV001076458.1).